The following is an entry in ClinVar:

ClinVar aggregate classification (germline): Uncertain significance (1 of 4 stars; one submission).

Conditions:
Duchenne muscular dystrophy (DMD). Also called: MUSCULAR DYSTROPHY, PSEUDOHYPERTROPHIC PROGRESSIVE, DUCHENNE TYPE; Duchenne Muscular Dystrophy (DMD). Identifiers: Orphanet 98896, MedGen C0013264, MONDO:0010679, OMIM 310200.

Allele frequency attached by ClinVar (database versions not stated): gnomAD exomes 0.00001.
gnomAD v4.1: 6 of 1,211,225 alleles (0.0005%); highest among the groups gnomAD compares: Non-Finnish European, 0.00067%; no homozygotes.

Submission:

Labcorp Genetics (formerly Invitae), Labcorp
Classification: Uncertain significance for Duchenne muscular dystrophy. Last evaluated: 2022-08-22. Review status: criteria provided, single submitter. Criteria: Invitae Variant Classification Sherloc (09022015). Collection method: clinical testing. Allele origin: germline.
Comment: This sequence change replaces glutamine, which is neutral and polar, with lysine, which is basic and polar, at codon 977 of the DMD protein (p.Gln977Lys). This variant is not present in population databases (gnomAD no frequency). This variant has not been reported in the literature in individuals affected with DMD-related conditions. Algorithms developed to predict the effect of missense changes on protein structure and function are either unavailable or do not agree on the potential impact of this missense change (SIFT: "Tolerated"; PolyPhen-2: "Probably Damaging"; Align-GVGD: "Class C0"). In summary, the available evidence is currently insufficient to determine the role of this variant in disease. Therefore, it has been classified as a Variant of Uncertain Significance.

NM_004006.3(DMD):c.2929C>A (p.Gln977Lys)

Gene: DMD (dystrophin; minus strand). Cytogenetic location: Xp21.1.
Variant type: single nucleotide variant.
Coding change: c.2929C>A on transcript NM_004006.3 (MANE Select); coding-DNA position 2929, C replaced by A.
Protein change: p.Gln977Lys; replaces glutamine 977 with lysine.
Molecular consequence: missense variant.
Genome position (GRCh38, 1-based): chrX:32,472,184, G>T on the plus strand (C>A on the coding strand, the complement: DMD is on the minus strand). VCF-style: chrX-32472184-G-T. GRCh37 (hg19) VCF-style: chrX-32490301-G-T.
Other names: c.2905C>A, p.Gln969Lys (NM_000109.4); c.2917C>A, p.Gln973Lys (NM_004009.3); c.2560C>A, p.Gln854Lys (NM_004010.3); short protein forms Q854K, Q969K, Q973K, Q977K.
Identifiers: ClinVar variation 2193024 (VCV002193024.1), dbSNP rs2040713128, ClinGen allele CA412667839.
Genomic context (GRCh38, chrX:32,472,184, plus strand): 5'-AAGCGTGCTTTATTGTTTTGACATTCAAATATTCACAGACCTGCAATTCCCCGAGTCTCT[G>T]CTCCATGATTTCATAGTCGGTGACACTAAGTTGAGGTATGGAGAGTTTGGTTTCTGACTG-3'
Protein context (NP_003997.2, residues 967-987): LSVTDYEIME[Gln977Lys]RLGELQALQS